The following is an entry in ClinVar:

NM_002202.3(ISL1):c.479-4G>A

Gene: ISL1 (ISL LIM homeobox 1; plus strand). Cytogenetic location: 5q11.1.
Variant type: single nucleotide variant.
Coding change: c.479-4G>A on transcript NM_002202.3 (MANE Select); 4 bases into the intron before coding-DNA position 479, G replaced by A.
Molecular consequence: intron variant.
Genome position (GRCh38, 1-based): chr5:51,389,642, G>A. VCF-style: chr5-51389642-G-A. GRCh37 (hg19) VCF-style: chr5-50685476-G-A.
Identifiers: ClinVar variation 373894 (VCV000373894.2), dbSNP rs2303750, ClinGen allele CA3261015.

ClinVar aggregate classification (germline): Uncertain significance (1 of 4 stars; one submission).

Conditions:
Bladder exstrophy-epispadias-cloacal exstrophy complex. Also called: Exstrophy of the bladder-epispadias; Bladder exstrophy and epispadias complex; Bladder exstrophy-epispadias-cloacal extrophy complex. Identifiers: Orphanet 93930, MedGen C1838703, MONDO:0700039, OMIM 600057.

Allele frequency attached by ClinVar (database versions not stated): ESP Exome Variant Server 0.00178; gnomAD 0.00422 and 0.00509; TOPMed 0.00712; gnomAD exomes 0.00914; ExAC 0.01069; 1000 Genomes Project 30x 0.01562; 1000 Genomes Project 0.01597.
gnomAD v4.1: 8,184 of 1,606,088 alleles (0.51%); highest among the groups gnomAD compares: East Asian, 9.4%; 236 homozygotes.

Submission:

Malformation Genetics, Karolinska Institutet
Classification: Uncertain significance for Bladder exstrophy-epispadias-cloacal exstrophy complex. Last evaluated: 2016-09-30. Review status: criteria provided, single submitter. Criteria: ISL1 mutation assertion criteria. Collection method: research. Allele origin: maternal. Inheritance: Autosomal dominant inheritance. Affected: yes. Observed: 1 variant allele, 1 heterozygote.
Comment: Variant is rare in the European population (gnomAD Non-Finnish Europeans f = 0.2%).